The following is an entry in ClinVar:

NM_007294.4(BRCA1):c.2687G>T (p.Ser896Ile)

Gene: BRCA1 (BRCA1 DNA repair associated; minus strand). Cytogenetic location: 17q21.31.
Variant type: single nucleotide variant.
Coding change: c.2687G>T on transcript NM_007294.4 (MANE Select); coding-DNA position 2687, G replaced by T.
Protein change: p.Ser896Ile; replaces serine 896 with isoleucine.
Molecular consequence: missense variant. On other transcripts: intron variant (137).
Genome position (GRCh38, 1-based): chr17:43,092,844, C>A on the plus strand (G>T on the coding strand, the complement: BRCA1 is on the minus strand). VCF-style: chr17-43092844-C-A. GRCh37 (hg19) VCF-style: chr17-41244861-C-A.
Other names: c.2543G>T, p.Ser848Ile (NM_001407842.1, NM_001407843.1, NM_001407844.1 and 20 more transcripts); c.2684G>T, p.Ser895Ile (NM_001407633.1, NM_001407634.1, NM_001407635.1 and 22 more transcripts); c.2687G>T, p.Ser896Ile (NM_001407639.1, NM_001407640.1, NM_001407641.1 and 30 more transcripts); c.2678G>T, p.Ser893Ile (NM_001407646.1, NM_001407647.1); c.2564G>T, p.Ser855Ile (NM_001407648.1, NM_001407664.1, NM_001407665.1 and 19 more transcripts); c.2561G>T, p.Ser854Ile (NM_001407649.1, NM_001407670.1, NM_001407671.1 and 11 more transcripts); c.2609G>T, p.Ser870Ile (NM_001407653.1, NM_001407654.1, NM_001407655.1 and 4 more transcripts); c.2606G>T, p.Ser869Ile (NM_001407659.1, NM_001407660.1, NM_001407661.1 and 1 more transcripts); and 41 more; short protein forms S896I, S849I, S600I, S728I, S807I, S826I, S848I, S855I.
Identifiers: ClinVar variation 925098 (VCV000925098.6), dbSNP rs2053714262, ClinGen allele CA10596624.
Genomic context (GRCh38, chr17:43,092,844, plus strand): 5'-TTAGACTCATTCTTTCCTTGATTTTCTTCCTTTTGTTCACATTCAAAAGTGACTTTTGGA[C>A]TTTGTTTCTTTAAGGACCCAGAGTGGGCAGAGAATGTTGCACATTCCTCTTCTGCATTTC-3'
Protein context (NP_009225.1, residues 886-906): SAHSGSLKKQ[Ser896Ile]PKVTFECEQK

ClinVar aggregate classification (germline): Conflicting classifications of pathogenicity. Review status: criteria provided, conflicting classifications (1 of 4 stars). 2 submissions from 2 submitters: Uncertain significance (1); Likely benign (1). Last evaluated 2023-03-23.

Conditions:
Hereditary cancer-predisposing syndrome. Also called: Neoplastic Syndromes, Hereditary; Tumor predisposition; Hereditary Cancer Syndrome; Hereditary neoplastic syndrome. Identifiers: Orphanet 140162, MedGen C0027672, MeSH D009386, MONDO:0015356.

Submissions (2):

University of Washington Department of Laboratory Medicine, University of Washington
Classification: Likely benign for Hereditary cancer-predisposing syndrome. Last evaluated: 2023-03-23. Review status: criteria provided, single submitter. Criteria: Dines et al. (Genet Med. 2020). Collection method: curation. Allele origin: germline.
Comment: Missense variant in a coldspot region where missense variants are very unlikely to be pathogenic (PMID:31911673).

BRCA1 coldspot (exon 11 using historical exon numbering). Reclassification based on statistical prior probability

Color Diagnostics, LLC DBA Color Health
Classification: Uncertain significance for Hereditary cancer-predisposing syndrome. Last evaluated: 2019-11-26. Review status: criteria provided, single submitter. Criteria: ACMG Guidelines, 2015. Collection method: clinical testing. Allele origin: germline.
Comment: This missense variant replaces serine with isoleucine at codon 896 of the BRCA1 protein. Computational prediction suggests that this variant may not impact protein structure and function (internally defined REVEL score threshold <= 0.5, PMID: 27666373). Splice site prediction tools suggest that this variant may not impact RNA splicing. To our knowledge, functional studies have not been performed for this variant. This variant has not been reported in individuals affected with hereditary cancer in the literature. This variant has not been identified in the general population by the Genome Aggregation Database (gnomAD). The available evidence is insufficient to determine the role of this variant in disease conclusively. Therefore, this variant is classified as a Variant of Uncertain Significance.